The following is an entry in ClinVar:

ClinVar aggregate classification (germline): Pathogenic (1 of 4 stars; one submission).

Conditions:
Gorlin syndrome. Also called: Basal cell nevus syndrome; Nevoid Basal Cell Carcinoma Syndrome. Identifiers: Orphanet 377, MedGen C0004779, MONDO:0007187.

Submission:

Labcorp Genetics (formerly Invitae), Labcorp
Classification: Pathogenic for Gorlin syndrome. Last evaluated: 2017-04-22. Review status: criteria provided, single submitter. Criteria: Invitae Variant Classification Sherloc (09022015). Collection method: clinical testing. Allele origin: germline.
Comment: This sequence change deletes 13 nucleotides from exon 12 of the PTCH1 mRNA (c.1709_1721delTGCGGGCGTTCTC), causing a frameshift at codon 570. This creates a premature translational stop signal (p.Leu570Profs*6) and is expected to result in an absent or disrupted protein product. For these reasons, this variant has been classified as Pathogenic. While this particular variant has not been reported in the literature, loss-of-function variants in PTCH1 are known to be pathogenic (PMID: 16301862, 16419085).

Literature cited by the submitters: PubMed 16301862; PubMed 16419085.

NM_000264.5(PTCH1):c.1709_1721del (p.Leu570fs)

Gene: PTCH1 (patched 1; minus strand). Cytogenetic location: 9q22.32.
Variant type: Deletion.
Coding change: c.1709_1721del on transcript NM_000264.5 (MANE Select); coding-DNA positions 1709 to 1721, 13 bases deleted (TGCGGGCGTTCTC).
Protein change: p.Leu570fs; shifts the reading frame from leucine 570.
Molecular consequence: frameshift variant. On other transcripts: non-coding transcript variant (1).
Genome position (GRCh38, 1-based): chr9:95,476,041-95,476,053, GAGAACGCCCGCA deleted on the plus strand (TGCGGGCGTTCTC on the coding strand, the reverse complement: PTCH1 is on the minus strand); deleting any 13 consecutive bases within chr9:95,476,041-95,476,056 gives the same sequence; the c. name uses the placement nearest the transcript's 3' end. VCF-style (leftmost placement, unchanged base first): chr9-95476040-GGAGAACGCCCGCA-G. GRCh37 (hg19) VCF-style: chr9-98238322-GGAGAACGCCCGCA-G.
Other names: c.1511_1523del, p.Leu504fs (NM_001083602.3); c.1706_1718del, p.Leu569fs (NM_001083603.3); c.1256_1268del, p.Leu419fs (NM_001083604.3, NM_001083605.3, NM_001083606.3 and 1 more transcripts); c.1553_1565del, p.Leu518fs (NM_001354918.2); short protein forms L569fs, L419fs, L504fs, L570fs, L518fs.
Identifiers: ClinVar variation 453796 (VCV000453796.7), dbSNP rs1554697839, ClinGen allele CA658656037.